The following is an entry in ClinVar:

ClinVar aggregate classification (germline): Uncertain significance. Review status: criteria provided, multiple submitters, no conflicts (2 of 4 stars). 2 submissions from 2 submitters: Uncertain significance (2). Last evaluated 2022-04-09.

Conditions:
Inborn genetic diseases. Identifiers: MedGen C0950123, MeSH D030342.

Submissions (2):

Labcorp Genetics (formerly Invitae), Labcorp
Classification: Uncertain significance. Last evaluated: 2022-04-09. Review status: criteria provided, single submitter. Criteria: Invitae Variant Classification Sherloc (09022015). Collection method: clinical testing. Allele origin: germline.
Comment: This variant, c.1109_1111del, results in the deletion of 1 amino acid(s) of the ESCO2 protein (p.Lys370del), but otherwise preserves the integrity of the reading frame. This variant is present in population databases (no rsID available, gnomAD 0.007%). This variant has not been reported in the literature in individuals affected with ESCO2-related conditions. ClinVar contains an entry for this variant (Variation ID: 362739). Experimental studies and prediction algorithms are not available or were not evaluated, and the functional significance of this variant is currently unknown. In summary, the available evidence is currently insufficient to determine the role of this variant in disease. Therefore, it has been classified as a Variant of Uncertain Significance.

Ambry Genetics
Classification: Uncertain significance for Inborn genetic diseases. Last evaluated: 2021-11-24. Review status: criteria provided, single submitter. Criteria: Ambry Variant Classification Scheme 2023. Collection method: clinical testing. Allele origin: germline.
Comment: The c.1109_1111delAAA (p.K370del) alteration is located in exon 6 (coding exon 5) of the ESCO2 gene. This alteration consists of an in-frame deletion of 3 nucleotides between nucleotide positions c.1109 and c.1111, resulting in the deletion of 1 residue. Based on insufficient or conflicting evidence, the clinical significance of this alteration remains unclear.

NM_001017420.3(ESCO2):c.1109_1111del (p.Lys370del)

Gene: ESCO2 (establishment of sister chromatid cohesion N-acetyltransferase 2; plus strand). Cytogenetic location: 8p21.1.
Variant type: Deletion.
Coding change: c.1109_1111del on transcript NM_001017420.3 (MANE Select); coding-DNA positions 1109 to 1111, 3 bases deleted (AAA; older notation c.1109_1111delAAA).
Protein change: p.Lys370del; deletes lysine 370.
Molecular consequence: inframe deletion.
Genome position (GRCh38, 1-based): chr8:27,787,980-27,787,982, AAA deleted; deleting any 3 consecutive bases within chr8:27,787,976-27,787,982 gives the same sequence; the c. name uses the placement nearest the transcript's 3' end. VCF-style (leftmost placement, unchanged base first): chr8-27787975-TAAA-T. GRCh37 (hg19) VCF-style: chr8-27645492-TAAA-T.
Other names: short protein forms K370del.
Identifiers: ClinVar variation 362739 (VCV000362739.7), dbSNP rs80359859, ClinGen allele CA10627590.
Genomic context (GRCh38, chr8:27,787,975, plus strand): 5'-ATCTGTCAACTTCATGAAACAGACCAATATCCAGAAAAATACTAATACCAGAGATACAAG[TAAA>T]AAAACAAAAGACCAGCTCATCATCGTGAGTAAATTCCAAACAAAGCTTCTCCTATCTAGC-3'